The following is an entry in ClinVar:

ClinVar aggregate classification (germline): Likely benign (0 of 4 stars; one submission).

Conditions:
LRP1-related disorder. Also called: LRP1-related condition.

Allele frequency attached by ClinVar (database versions not stated): TOPMed 0.00017; gnomAD 0.00018; ESP Exome Variant Server 0.00038.
gnomAD v4.1: 495 of 1,607,042 alleles (0.031%); highest among the groups gnomAD compares: Non-Finnish European, 0.04%; no homozygotes.

Submission:

PreventionGenetics, part of Exact Sciences
Classification: Likely benign for LRP1-related condition. Last evaluated: 2019-06-17. Review status: no assertion criteria provided. Collection method: clinical testing. Allele origin: germline.
Comment: This variant is classified as likely benign based on ACMG/AMP sequence variant interpretation guidelines (Richards et al. 2015 PMID: 25741868, with internal and published modifications).

NM_002332.3(LRP1):c.3729C>T (p.Ser1243=)

Gene: LRP1 (LDL receptor related protein 1; plus strand). Cytogenetic location: 12q13.3.
Variant type: single nucleotide variant.
Coding change: c.3729C>T on transcript NM_002332.3 (MANE Select); coding-DNA position 3729, C replaced by T.
Protein change: p.Ser1243=; no amino-acid change (serine 1243 retained).
Molecular consequence: synonymous variant.
Genome position (GRCh38, 1-based): chr12:57,175,641, C>T. VCF-style: chr12-57175641-C-T. GRCh37 (hg19) VCF-style: chr12-57569424-C-T.
Identifiers: ClinVar variation 3033805 (VCV003033805.2), dbSNP rs200442207, ClinGen allele CA6643104.
Genomic context (GRCh38, chr12:57,175,641, plus strand): 5'-CCAGAGCTACTGTGCCAAGCATCTCAAATGCAGCCAAAAGTGCGACCAGAACAAGTTCAG[C>T]GTGAAGTGCTCCTGCTACGAGGGCTGGGTCCTGGAACCTGACGGCGAGAGCTGCCGCAGC-3'
Protein context (NP_002323.2, residues 1233-1253): CSQKCDQNKF[Ser1243=]VKCSCYEGWV